The following is an entry in ClinVar:

NM_172240.3(POC1B):c.420G>A (p.Leu140=)

Genes: POC1B (POC1 centriolar protein B; minus strand), POC1B-DUSP6 (POC1B-DUSP6 readthrough; minus strand). Cytogenetic location: 12q21.33.
Variant type: single nucleotide variant.
Coding change: c.420G>A on transcript NM_172240.3 (MANE Select); coding-DNA position 420, G replaced by A.
Protein change: p.Leu140=; no amino-acid change (leucine 140 retained).
Molecular consequence: synonymous variant. On other transcripts: non-coding transcript variant (2).
Genome position (GRCh38, 1-based): chr12:89,491,968, C>T on the plus strand (G>A on the coding strand, the complement: POC1B is on the minus strand). VCF-style: chr12-89491968-C-T. GRCh37 (hg19) VCF-style: chr12-89885745-C-T.
Other names: c.294G>A, p.Leu98= (NM_001199777.2); c.420G>A (NM_172240.2).
Identifiers: ClinVar variation 1644427 (VCV001644427.11), dbSNP rs140400217, ClinGen allele CA6714522.

ClinVar aggregate classification (germline): Likely benign. Review status: criteria provided, multiple submitters, no conflicts (2 of 4 stars). 3 submissions from 3 submitters: Likely benign (2). 1 of the submissions does not count toward it. Last evaluated 2025-10-13.

Conditions:
POC1B-related disorder. Also called: POC1B-related condition.

Allele frequency attached by ClinVar (database versions not stated): gnomAD 0.00002 and 0.00003; TOPMed 0.00002; gnomAD exomes 0.00005 and 0.00007; ExAC 0.00008; ESP Exome Variant Server 0.00008; 1000 Genomes Project 30x 0.00016; 1000 Genomes Project 0.00020.
gnomAD v4.1: 75 of 1,582,150 alleles (0.0047%); highest among the groups gnomAD compares: Non-Finnish European, 0.0064%; no homozygotes.

Submissions (3):

Labcorp Genetics (formerly Invitae), Labcorp
Classification: Likely benign. Last evaluated: 2025-10-13. Review status: criteria provided, single submitter. Criteria: Invitae Variant Classification Sherloc (09022015). Collection method: clinical testing. Allele origin: germline.

Blueprint Genetics
Classification: Likely benign. Last evaluated: 2024-10-14. Review status: criteria provided, single submitter. Criteria: ACMG Guidelines, 2015. Collection method: clinical testing. Allele origin: germline.

PreventionGenetics, part of Exact Sciences
Classification: Likely benign for POC1B-related condition. Last evaluated: 2019-10-29. Review status: no assertion criteria provided. Collection method: clinical testing. Allele origin: germline. Not counted in ClinVar's aggregate classification.
Comment: This variant is classified as likely benign based on ACMG/AMP sequence variant interpretation guidelines (Richards et al. 2015 PMID: 25741868, with internal and published modifications).